The following is an entry in ClinVar:

NM_000352.6(ABCC8):c.3872_3873dup (p.Asn1292fs)

Gene: ABCC8 (ATP binding cassette subfamily C member 8; minus strand). Cytogenetic location: 11p15.1.
Variant type: Duplication.
Coding change: c.3872_3873dup on transcript NM_000352.6 (MANE Select); coding-DNA positions 3872 to 3873, 2 bases duplicated (CC; older notation c.3872_3873dupCC).
Protein change: p.Asn1292fs; shifts the reading frame from asparagine 1292.
Molecular consequence: frameshift variant. On other transcripts: non-coding transcript variant (1).
Genome position (GRCh38, 1-based): chr11:17,397,308-17,397,309, GG duplicated on the plus strand (CC on the coding strand, the reverse complement: ABCC8 is on the minus strand). VCF-style (leftmost placement, unchanged base first): chr11-17397307-T-TGG. GRCh37 (hg19) VCF-style: chr11-17418854-T-TGG.
Other names: c.3875_3876dup, p.Asn1293fs (NM_001287174.3); c.3938_3939dup, p.Asn1314fs (NM_001351295.2); c.3872_3873dup, p.Asn1292fs (NM_001351296.2); c.3869_3870dup, p.Asn1291fs (NM_001351297.2); short protein forms N1291fs, N1292fs, N1293fs, N1314fs.
Identifiers: ClinVar variation 994765 (VCV000994765.2), dbSNP rs1953988179, ClinGen allele CA1139661849.

ClinVar aggregate classification (germline): Conflicting classifications of pathogenicity. Review status: criteria provided, conflicting classifications (1 of 4 stars). 3 submissions from 2 submitters: Likely pathogenic (1); Uncertain significance (2). Last evaluated 2020-01-22.

Conditions:
Transitory neonatal diabetes mellitus. Also called: Transient neonatal diabetes mellitus. Identifiers: MedGen C0342273, MONDO:0020525, HP:0008255.
Maturity-onset diabetes of the young (MODY). Also called: Maturity onset diabetes mellitus in young. Identifiers: Orphanet 552, MedGen C0342276, MONDO:0018911, HP:0004904.

Submissions (3):

Athena Diagnostics
Classification: Likely pathogenic. Last evaluated: 2020-01-22. Review status: criteria provided, single submitter. Criteria: Athena Diagnostics Criteria. Collection method: clinical testing. Allele origin: unknown.
Comment: The variant results in a shift of the reading frame, and is therefore predicted to result in the loss of a functional protein. Not found in the total gnomAD dataset.

Clinical Genomics, Uppaluri K&H Personalized Medicine Clinic
Classification: Uncertain significance for Transitory neonatal diabetes mellitus. Review status: criteria provided, single submitter. Criteria: K & H Uppaluri Personalized Medicine Clinic Variant Classification & Assertion Criteria_Updated V.1. Collection method: research. Allele origin: somatic. Inheritance: Somatic mutation.
Comment: Mutations in ABCC8 gene are associated with both neonatal diabetes mellitus as well as MODY. Patients with this mutation may have a better response to sulfonylureas. However, no sufficient evidence is found to ascertain the role of this particular variant (rs1953988179) in neonatal diabetes yet.

Clinical Genomics, Uppaluri K&H Personalized Medicine Clinic
Classification: Uncertain significance for Maturity-onset diabetes of the young. Review status: criteria provided, single submitter. Criteria: K & H Uppaluri Personalized Medicine Clinic Variant Classification & Assertion Criteria_Updated V.1. Collection method: research. Allele origin: somatic. Inheritance: Somatic mutation.
Comment: Mutations in ABCC8 gene are associated with both neonatal diabetes mellitus as well as MODY. Patients with this mutation may have a better response to sulfonylureas. However, no sufficient evidence is found to ascertain the role of this particular variant (rs1953988179) in MODY yet.

Literature cited by the submitters: PubMed 16885549 (cited by Clinical Genomics, Uppaluri K&H Personalized Medicine Clinic); PubMed 21989597 (cited by Clinical Genomics, Uppaluri K&H Personalized Medicine Clinic); PubMed 27538677 (cited by Clinical Genomics, Uppaluri K&H Personalized Medicine Clinic); PubMed 18981553 (cited by Clinical Genomics, Uppaluri K&H Personalized Medicine Clinic); PubMed 32027066 (cited by Clinical Genomics, Uppaluri K&H Personalized Medicine Clinic); PubMed 16613899 (cited by Clinical Genomics, Uppaluri K&H Personalized Medicine Clinic); PubMed 18025408 (cited by Clinical Genomics, Uppaluri K&H Personalized Medicine Clinic); PubMed 32792356 (cited by Clinical Genomics, Uppaluri K&H Personalized Medicine Clinic).